The following is an entry in ClinVar:

NM_198586.3(NHLRC1):c.52G>A (p.Glu18Lys)

Gene: NHLRC1 (NHL repeat containing E3 ubiquitin protein ligase 1; minus strand). Cytogenetic location: 6p22.3.
Variant type: single nucleotide variant.
Coding change: c.52G>A on transcript NM_198586.3 (MANE Select); coding-DNA position 52, G replaced by A.
Protein change: p.Glu18Lys; replaces glutamic acid 18 with lysine.
Molecular consequence: missense variant.
Genome position (GRCh38, 1-based): chr6:18,122,555, C>T on the plus strand (G>A on the coding strand, the complement: NHLRC1 is on the minus strand). VCF-style: chr6-18122555-C-T. GRCh37 (hg19) VCF-style: chr6-18122786-C-T.
Other names: short protein forms E18K.
Identifiers: ClinVar variation 1304923 (VCV001304923.11), dbSNP rs771805307, ClinGen allele CA362829678.

ClinVar aggregate classification (germline): Uncertain significance. Review status: criteria provided, multiple submitters, no conflicts (2 of 4 stars). 3 submissions from 3 submitters: Uncertain significance (3). Last evaluated 2024-09-04.

Conditions:
Inborn genetic diseases. Identifiers: MedGen C0950123, MeSH D030342.
Lafora disease. Also called: Epilepsy progressive myoclonic 2. Identifiers: Orphanet 501, MedGen C0751783, MONDO:0009697.

Submissions (3):

GeneDx
Classification: Uncertain significance. Last evaluated: 2024-09-04. Review status: criteria provided, single submitter. Criteria: GeneDx Variant Classification Process June 2021. Collection method: clinical testing. Allele origin: germline. Affected: yes.
Comment: Not observed at significant frequency in large population cohorts (gnomAD); In silico analysis indicates that this missense variant does not alter protein structure/function; Has not been previously published as pathogenic or benign to our knowledge

Labcorp Genetics (formerly Invitae), Labcorp
Classification: Uncertain significance for Lafora disease. Last evaluated: 2022-07-26. Review status: criteria provided, single submitter. Criteria: Invitae Variant Classification Sherloc (09022015). Collection method: clinical testing. Allele origin: germline.
Comment: This sequence change replaces glutamic acid, which is acidic and polar, with lysine, which is basic and polar, at codon 18 of the NHLRC1 protein (p.Glu18Lys). This variant is present in population databases (no rsID available, gnomAD 0.006%). This variant has not been reported in the literature in individuals affected with NHLRC1-related conditions. ClinVar contains an entry for this variant (Variation ID: 1304923). Algorithms developed to predict the effect of missense changes on protein structure and function (SIFT, PolyPhen-2, Align-GVGD) all suggest that this variant is likely to be disruptive. In summary, the available evidence is currently insufficient to determine the role of this variant in disease. Therefore, it has been classified as a Variant of Uncertain Significance.

Ambry Genetics
Classification: Uncertain significance for Inborn genetic diseases. Last evaluated: 2018-08-24. Review status: criteria provided, single submitter. Criteria: Ambry Variant Classification Scheme 2023. Collection method: clinical testing. Allele origin: germline.
Comment: The p.E18K variant (also known as c.52G>A), located in coding exon 1 of the NHLRC1 gene, results from a G to A substitution at nucleotide position 52. The glutamic acid at codon 18 is replaced by lysine, an amino acid with similar properties. This amino acid position is highly conserved in available vertebrate species. In addition, the in silico prediction for this alteration is inconclusive. Since supporting evidence is limited at this time, the clinical significance of this alteration remains unclear.